The following is an entry in ClinVar:

NM_001447.3(FAT2):c.6358C>T (p.Pro2120Ser)

Genes: FAT2 (FAT atypical cadherin 2; minus strand), SLC36A1 (solute carrier family 36 member 1; plus strand). Cytogenetic location: 5q33.1.
Variant type: single nucleotide variant.
Coding change: c.6358C>T on transcript NM_001447.3 (MANE Select); coding-DNA position 6358, C replaced by T.
Protein change: p.Pro2120Ser; replaces proline 2120 with serine.
Molecular consequence: missense variant.
Genome position (GRCh38, 1-based): chr5:151,544,769, G>A on the plus strand (C>T on the coding strand, the complement: FAT2 is on the minus strand). VCF-style: chr5-151544769-G-A. GRCh37 (hg19) VCF-style: chr5-150924330-G-A.
Other names: short protein forms P2120S.
Identifiers: ClinVar variation 2655960 (VCV002655960.27), dbSNP rs201031099, ClinGen allele CA3521120.

ClinVar aggregate classification (germline): Likely benign. Review status: criteria provided, multiple submitters, no conflicts (2 of 4 stars). 2 submissions from 2 submitters: Likely benign (2). Last evaluated 2026-04-01.

Allele frequency attached by ClinVar (database versions not stated): TOPMed 0.00026; gnomAD 0.00027; 1000 Genomes Project 30x 0.00031; ESP Exome Variant Server 0.00015; 1000 Genomes Project 0.00020; ExAC 0.00025.
gnomAD v4.1: 323 of 1,614,142 alleles (0.02%); highest among the groups gnomAD compares: Admixed American, 0.043%; 3 homozygotes.

Submissions (2):

CeGaT Center for Human Genetics Tuebingen
Classification: Likely benign. Last evaluated: 2026-04-01. Review status: criteria provided, single submitter. Criteria: CeGaT Center For Human Genetics Tuebingen Variant Classification Criteria Version 2. Collection method: clinical testing. Allele origin: germline. Affected: yes. Observed: 2 variant alleles.
Comment: FAT2: BP4, BS2

Labcorp Genetics (formerly Invitae), Labcorp
Classification: Likely benign. Last evaluated: 2025-10-02. Review status: criteria provided, single submitter. Criteria: Invitae Variant Classification Sherloc (09022015). Collection method: clinical testing. Allele origin: germline.